The following is an entry in ClinVar:

ClinVar aggregate classification (germline): Uncertain significance (1 of 4 stars; one submission).

Allele frequency attached by ClinVar (database versions not stated): gnomAD exomes below 0.00001.
gnomAD v4.1: 6 of 1,613,950 alleles (0.00037%); highest among the groups gnomAD compares: Middle Eastern, 0.066%; no homozygotes.

Submission:

Labcorp Genetics (formerly Invitae), Labcorp
Classification: Uncertain significance. Last evaluated: 2022-03-28. Review status: criteria provided, single submitter. Criteria: Invitae Variant Classification Sherloc (09022015). Collection method: clinical testing. Allele origin: germline.
Comment: This sequence change replaces glutamine, which is neutral and polar, with arginine, which is basic and polar, at codon 1926 of the ADGRV1 protein (p.Gln1926Arg). This variant is not present in population databases (gnomAD no frequency). This variant has not been reported in the literature in individuals affected with ADGRV1-related conditions. Algorithms developed to predict the effect of missense changes on protein structure and function are either unavailable or do not agree on the potential impact of this missense change (SIFT: "Deleterious"; PolyPhen-2: "Possibly Damaging"; Align-GVGD: "Class C0"). In summary, the available evidence is currently insufficient to determine the role of this variant in disease. Therefore, it has been classified as a Variant of Uncertain Significance.

NM_032119.4(ADGRV1):c.5777A>G (p.Gln1926Arg)

Gene: ADGRV1 (adhesion G protein-coupled receptor V1; plus strand). Cytogenetic location: 5q14.3.
Variant type: single nucleotide variant.
Coding change: c.5777A>G on transcript NM_032119.4 (MANE Select); coding-DNA position 5777, A replaced by G.
Protein change: p.Gln1926Arg; replaces glutamine 1926 with arginine.
Molecular consequence: missense variant. On other transcripts: non-coding transcript variant (1).
Genome position (GRCh38, 1-based): chr5:90,683,698, A>G. VCF-style: chr5-90683698-A-G. GRCh37 (hg19) VCF-style: chr5-89979515-A-G.
Other names: short protein forms Q1926R.
Identifiers: ClinVar variation 1912875 (VCV001912875.2), dbSNP rs2530819998, ClinGen allele CA360413364.
Genomic context (GRCh38, chr5:90,683,698, plus strand): 5'-ACTCTGATCCTGATGGTGATCTCGCCTTCACCTCTGGCAACATCACATTTGAGATTGGGC[A>G]GACGAGCGCCAATATCACTGTGGAGATATTGCCTGACGAAGACCCAGAACTGGATAAGGC-3'
Protein context (NP_115495.3, residues 1916-1936): TSGNITFEIG[Gln1926Arg]TSANITVEIL